The following is an entry in ClinVar:

NM_003850.3(SUCLA2):c.802+3125G>A

Gene: SUCLA2 (succinate-CoA ligase ADP-forming subunit beta; minus strand). Cytogenetic location: 13q14.2.
Variant type: single nucleotide variant.
Coding change: c.802+3125G>A on transcript NM_003850.3 (MANE Select); 3125 bases into the intron after coding-DNA position 802, G replaced by A.
Molecular consequence: intron variant.
Genome position (GRCh38, 1-based): chr13:47,965,470, C>T on the plus strand (G>A on the coding strand, the complement: SUCLA2 is on the minus strand). VCF-style: chr13-47965470-C-T. GRCh37 (hg19) VCF-style: chr13-48539605-C-T.
Identifiers: ClinVar variation 1879255 (VCV001879255.29), dbSNP rs117083844, ClinGen allele CA249265033.

ClinVar aggregate classification (germline): Benign (1 of 4 stars; one submission).

Allele frequency attached by ClinVar (database versions not stated): 1000 Genomes Project 0.00499; TOPMed 0.00592; gnomAD 0.00725.
gnomAD v4.1: 3,065 of 374,452 alleles (0.82%); highest among the groups gnomAD compares: Non-Finnish European, 1%; 15 homozygotes.

Submission:

CeGaT Center for Human Genetics Tuebingen
Classification: Benign. Last evaluated: 2023-05-01. Review status: criteria provided, single submitter. Criteria: CeGaT Center For Human Genetics Tuebingen Variant Classification Criteria Version 2. Collection method: clinical testing. Allele origin: germline. Affected: yes. Observed: 9 variant alleles.
Comment: SUCLA2: BS1, BS2